The following is an entry in ClinVar:

NM_177438.3(DICER1):c.4498G>T (p.Asp1500Tyr)

Gene: DICER1 (dicer 1, ribonuclease III; minus strand). Cytogenetic location: 14q32.13.
Variant type: single nucleotide variant.
Coding change: c.4498G>T on transcript NM_177438.3 (MANE Select); coding-DNA position 4498, G replaced by T.
Protein change: p.Asp1500Tyr; replaces aspartic acid 1500 with tyrosine.
Molecular consequence: missense variant. On other transcripts: non-coding transcript variant (6).
Genome position (GRCh38, 1-based): chr14:95,096,422, C>A on the plus strand (G>T on the coding strand, the complement: DICER1 is on the minus strand). VCF-style: chr14-95096422-C-A. GRCh37 (hg19) VCF-style: chr14-95562759-C-A.
Other names: c.4498G>T, p.Asp1500Tyr (NM_001195573.1, NM_001271282.3, NM_001291628.2 and 13 more transcripts); c.4216G>T, p.Asp1406Tyr (NM_001395686.1); c.4093G>T, p.Asp1365Tyr (NM_001395687.1, NM_001395688.1, NM_001395689.1 and 2 more transcripts); c.3931G>T, p.Asp1311Tyr (NM_001395691.1); c.2815G>T, p.Asp939Tyr (NM_001395697.1); short protein forms D1311Y, D1406Y, D1365Y, D1500Y, D939Y.
Identifiers: ClinVar variation 2071891 (VCV002071891.4), dbSNP rs2139849233, ClinGen allele CA390868088.

ClinVar aggregate classification (germline): Uncertain significance (1 of 4 stars; one submission).

Conditions:
DICER1-related tumor predisposition. Also called: DICER1 syndrome; DICER1-related pleuropulmonary blastoma cancer predisposition syndrome. Identifiers: Orphanet 284343, MedGen C3839822, MONDO:0100216.

Submission:

Labcorp Genetics (formerly Invitae), Labcorp
Classification: Uncertain significance for DICER1-related tumor predisposition. Last evaluated: 2022-01-03. Review status: criteria provided, single submitter. Criteria: Invitae Variant Classification Sherloc (09022015). Collection method: clinical testing. Allele origin: germline.
Comment: This sequence change replaces aspartic acid, which is acidic and polar, with tyrosine, which is neutral and polar, at codon 1500 of the DICER1 protein (p.Asp1500Tyr). This variant is not present in population databases (gnomAD no frequency). This variant has not been reported in the literature in individuals affected with DICER1-related conditions. Algorithms developed to predict the effect of missense changes on protein structure and function are either unavailable or do not agree on the potential impact of this missense change (SIFT: "Deleterious"; PolyPhen-2: "Probably Damaging"; Align-GVGD: "Class C15"). In summary, the available evidence is currently insufficient to determine the role of this variant in disease. Therefore, it has been classified as a Variant of Uncertain Significance.